The following is an entry in ClinVar:

NM_017636.4(TRPM4):c.1670C>T (p.Ala557Val)

Gene: TRPM4 (transient receptor potential cation channel subfamily M member 4; plus strand). Cytogenetic location: 19q13.33.
Variant type: single nucleotide variant.
Coding change: c.1670C>T on transcript NM_017636.4 (MANE Select); coding-DNA position 1670, C replaced by T.
Protein change: p.Ala557Val; replaces alanine 557 with valine.
Molecular consequence: missense variant.
Genome position (GRCh38, 1-based): chr19:49,183,139, C>T. VCF-style: chr19-49183139-C-T. GRCh37 (hg19) VCF-style: chr19-49686396-C-T.
Other names: c.1670C>T, p.Ala557Val (NM_001195227.2); c.1325C>T, p.Ala442Val (NM_001321281.2); c.62C>T, p.Ala21Val (NM_001321282.2); c.1148C>T, p.Ala383Val (NM_001321283.2); c.608C>T, p.Ala203Val (NM_001321285.2); short protein forms A203V, A21V, A383V, A442V, A557V.
Identifiers: ClinVar variation 3227003 (VCV003227003.1), dbSNP rs1439348943, ClinGen allele CA406800476.
Genomic context (GRCh38, chr19:49,183,139, plus strand): 5'-TGTATCTGCTCTCGGACAAGGCCACCTCGCCGCTCTCGCTGGATGCTGGCCTCGGGCAGG[C>T]CCCCTGGAGCGACCTGCTTCTTTGGGCACTGTTGCTGAACAGGGCACAGATGGCCATGTA-3'
Protein context (NP_060106.2, residues 547-567): PLSLDAGLGQ[Ala557Val]PWSDLLLWAL

ClinVar aggregate classification (germline): Uncertain significance (1 of 4 stars; one submission).

Conditions:
Cardiovascular phenotype. Identifiers: MedGen CN230736.

Submission:

Ambry Genetics
Classification: Uncertain significance for Cardiovascular phenotype. Last evaluated: 2023-11-17. Review status: criteria provided, single submitter. Criteria: Ambry Variant Classification Scheme 2023. Collection method: clinical testing. Allele origin: germline.
Comment: The p.A557V variant (also known as c.1670C>T), located in coding exon 12 of the TRPM4 gene, results from a C to T substitution at nucleotide position 1670. The alanine at codon 557 is replaced by valine, an amino acid with similar properties. This amino acid position is conserved. In addition, this alteration is predicted to be tolerated by in silico analysis. Since supporting evidence is limited at this time, the clinical significance of this alteration remains unclear.